The following is an entry in ClinVar:

NM_004364.5(CEBPA):c.560C>A (p.Pro187Gln)

Gene: CEBPA (CCAAT enhancer binding protein alpha; minus strand). Cytogenetic location: 19q13.11.
Variant type: single nucleotide variant.
Coding change: c.560C>A on transcript NM_004364.5 (MANE Select); coding-DNA position 560, C replaced by A.
Protein change: p.Pro187Gln; replaces proline 187 with glutamine.
Molecular consequence: missense variant.
Genome position (GRCh38, 1-based): chr19:33,301,855, G>T on the plus strand (C>A on the coding strand, the complement: CEBPA is on the minus strand). VCF-style: chr19-33301855-G-T. GRCh37 (hg19) VCF-style: chr19-33792761-G-T.
Other names: c.665C>A, p.Pro222Gln (NM_001287424.2); c.518C>A, p.Pro173Gln (NM_001287435.2); c.203C>A, p.Pro68Gln (NM_001285829.2); c.560C>A (NM_004364.3); short protein forms P187Q, P68Q, P222Q, P173Q.
Identifiers: ClinVar variation 652270 (VCV000652270.10), dbSNP rs1600022732, ClinGen allele CA405274692.

ClinVar aggregate classification (germline): Uncertain significance. Review status: criteria provided, multiple submitters, no conflicts (2 of 4 stars). 2 submissions from 2 submitters: Uncertain significance (2). Last evaluated 2025-03-22.

Conditions:
Inborn genetic diseases. Identifiers: MedGen C0950123, MeSH D030342.
Acute myeloid leukemia (AML). Also called: Acute myeloid leukemia, adult; AML adult; Acute non-lymphocytic leukemia; Acute granulocytic leukemia; Leukemia, acute myeloid, somatic; Leukemia, acute myelogenous, somatic. Identifiers: Orphanet 519, MedGen C0023467, MeSH D015470, MONDO:0018874, OMIM 601626, HP:0004808. Disease mechanism: Constitutively activated FLT3.

Submissions (2):

Ambry Genetics
Classification: Uncertain significance for Inborn genetic diseases. Last evaluated: 2025-03-22. Review status: criteria provided, single submitter. Criteria: Ambry Variant Classification Scheme 2023. Collection method: clinical testing. Allele origin: germline.
Comment: The p.P187Q variant (also known as c.560C>A), located in coding exon 1 of the CEBPA gene, results from a C to A substitution at nucleotide position 560. The proline at codon 187 is replaced by glutamine, an amino acid with similar properties. This amino acid position is conserved. In addition, this alteration is predicted to be tolerated by in silico analysis. Based on the available evidence, the clinical significance of this variant remains unclear.

Labcorp Genetics (formerly Invitae), Labcorp
Classification: Uncertain significance for Acute myeloid leukemia. Last evaluated: 2018-12-06. Review status: criteria provided, single submitter. Criteria: Invitae Variant Classification Sherloc (09022015). Collection method: clinical testing. Allele origin: germline.
Comment: This sequence change replaces proline with glutamine at codon 187 of the CEBPA protein (p.Pro187Gln). The proline residue is weakly conserved and there is a moderate physicochemical difference between proline and glutamine. The frequency data for this variant in the population databases is considered unreliable, as metrics indicate insufficient coverage at this position in the ExAC database. This variant has not been reported in the literature in individuals with CEBPA-related conditions. Algorithms developed to predict the effect of missense changes on protein structure and function are either unavailable or do not agree on the potential impact of this missense change (SIFT: "Tolerated"; PolyPhen-2: "Possibly Damaging"; Align-GVGD: "Class C0"). In summary, the available evidence is currently insufficient to determine the role of this variant in disease. Therefore, it has been classified as a Variant of Uncertain Significance.